The following is an entry in ClinVar:

ClinVar aggregate classification (germline): Conflicting classifications of pathogenicity. Review status: criteria provided, conflicting classifications (1 of 4 stars). 4 submissions from 4 submitters: Uncertain significance (2); Likely benign (2). Last evaluated 2024-11-14.

Conditions:
Simpson-Golabi-Behmel syndrome type 2. Identifiers: Orphanet 79022, MedGen C1846175, MONDO:0010265, OMIM 300209.
Joubert syndrome 10 (JBTS10). Identifiers: Orphanet 2754, MedGen C2749019, MONDO:0010431, OMIM 300804.
Orofaciodigital syndrome I (OFD1). Also called: OFDS I; Papillon-Leage and Psaume Syndrome; Oral-Facial-Digital Syndrome Type I. Identifiers: Orphanet 2750, MedGen C1510460, MONDO:0010702, OMIM 311200.
Retinitis pigmentosa 23 (RP23). Identifiers: Orphanet 791, MedGen C1419610, MONDO:0010320, OMIM 300424.
Retinal dystrophy. Also called: Inherited retinal dystrophy. Identifiers: Orphanet 71862, MedGen C0854723, MeSH D058499, MONDO:0019118, HP:0000556.
Joubert syndrome. Also called: JOUBERT-BOLTSHAUSER SYNDROME; Familial aplasia of the vermis. Identifiers: Orphanet 475, MedGen C5979921, MONDO:0018772.
Primary ciliary dyskinesia. Also called: Ciliary dyskinesia. Identifiers: Orphanet 244, MedGen C0008780, MONDO:0016575, HP:0012265.

Allele frequency attached by ClinVar (database versions not stated): ExAC 0.00003.
gnomAD v4.1: 39 of 1,208,529 alleles (0.0032%); highest among the groups gnomAD compares: East Asian, 0.098%; no homozygotes.

Submissions (4):

Ambry Genetics
Classification: Likely benign for Primary ciliary dyskinesia. Last evaluated: 2024-11-14. Review status: criteria provided, single submitter. Criteria: Ambry Variant Classification Scheme 2023. Collection method: clinical testing. Allele origin: germline.

Labcorp Genetics (formerly Invitae), Labcorp
Classification: Uncertain significance for Orofaciodigital syndrome I; Joubert syndrome. Last evaluated: 2024-11-04. Review status: criteria provided, single submitter. Criteria: Invitae Variant Classification Sherloc (09022015). Collection method: clinical testing. Allele origin: germline.
Comment: This sequence change replaces proline, which is neutral and non-polar, with leucine, which is neutral and non-polar, at codon 791 of the OFD1 protein (p.Pro791Leu). This variant is present in population databases (rs753498008, gnomAD 0.05%). This variant has not been reported in the literature in individuals affected with OFD1-related conditions. ClinVar contains an entry for this variant (Variation ID: 2199921). Invitae Evidence Modeling of protein sequence and biophysical properties (such as structural, functional, and spatial information, amino acid conservation, physicochemical variation, residue mobility, and thermodynamic stability) indicates that this missense variant is not expected to disrupt OFD1 protein function with a negative predictive value of 80%. In summary, the available evidence is currently insufficient to determine the role of this variant in disease. Therefore, it has been classified as a Variant of Uncertain Significance.

Fulgent Genetics
Classification: Uncertain significance for Simpson-Golabi-Behmel syndrome type 2; Retinitis pigmentosa 23; Joubert syndrome 10; Orofaciodigital syndrome I. Last evaluated: 2024-03-17. Review status: criteria provided, single submitter. Criteria: ACMG Guidelines, 2015. Collection method: clinical testing. Allele origin: germline.

Dept Of Ophthalmology, Nagoya University
Classification: Likely benign for Retinal dystrophy. Last evaluated: 2023-10-01. Review status: criteria provided, single submitter. Criteria: Submitter's publication. Collection method: research. Allele origin: germline. Affected: yes.

NM_003611.3(OFD1):c.2372C>T (p.Pro791Leu)

Gene: OFD1 (OFD1 centriole and centriolar satellite protein; plus strand). Cytogenetic location: Xp22.2.
Variant type: single nucleotide variant.
Coding change: c.2372C>T on transcript NM_003611.3 (MANE Select); coding-DNA position 2372, C replaced by T.
Protein change: p.Pro791Leu; replaces proline 791 with leucine.
Molecular consequence: missense variant.
Genome position (GRCh38, 1-based): chrX:13,761,196, C>T. VCF-style: chrX-13761196-C-T. GRCh37 (hg19) VCF-style: chrX-13779315-C-T.
Other names: c.2252C>T, p.Pro751Leu (NM_001330209.2); c.1952C>T, p.Pro651Leu (NM_001330210.2); c.2372C>T (NM_003611.2); short protein forms P791L, P651L, P751L.
Identifiers: ClinVar variation 2199921 (VCV002199921.7), dbSNP rs753498008, ClinGen allele CA10351984.
Genomic context (GRCh38, chrX:13,761,196, plus strand): 5'-CCCTACCATCACCCACTGAGTCTAGGCACAGCCTCTCCATCCCTCCTGTCTCCAGCCCTC[C>T]GGAGCAGAAAGTGGGGTAAGTATAACGTTCTGATTGATTAGCTTCAGCTGAATAATGTTA-3'
Protein context (NP_003602.1, residues 781-801): SLSIPPVSSP[Pro791Leu]EQKVGLYRRQ